The following is an entry in ClinVar:

NM_152383.5(DIS3L2):c.2648G>A (p.Ser883Asn)

Gene: DIS3L2 (DIS3 like 3'-5' exoribonuclease 2; plus strand). Cytogenetic location: 2q37.1.
Variant type: single nucleotide variant.
Coding change: c.2648G>A on transcript NM_152383.5 (MANE Select); coding-DNA position 2648, G replaced by A.
Protein change: p.Ser883Asn; replaces serine 883 with asparagine.
Molecular consequence: missense variant. On other transcripts: non-coding transcript variant (2), intron variant (1).
Genome position (GRCh38, 1-based): chr2:232,336,620, G>A. VCF-style: chr2-232336620-G-A. GRCh37 (hg19) VCF-style: chr2-233201330-G-A.
Other names: c.1582-6725G>A (NM_001257281.2); short protein forms S883N.
Identifiers: ClinVar variation 1443999 (VCV001443999.8), dbSNP rs2106357556, ClinGen allele CA350979143.

ClinVar aggregate classification (germline): Uncertain significance (1 of 4 stars; one submission).

Conditions:
Perlman syndrome (PRLMNS). Identifiers: Orphanet 2849, MedGen C0796113, MONDO:0009965, OMIM 267000.

Allele frequency attached by ClinVar (database versions not stated): gnomAD exomes below 0.00001.
gnomAD v4.1: 1 of 1,601,922 alleles (0.000062%); highest among the groups gnomAD compares: Non-Finnish European, 0.000085%; no homozygotes.

Submission:

Labcorp Genetics (formerly Invitae), Labcorp
Classification: Uncertain significance for Perlman syndrome. Last evaluated: 2024-07-17. Review status: criteria provided, single submitter. Criteria: Invitae Variant Classification Sherloc (09022015). Collection method: clinical testing. Allele origin: germline.
Comment: This sequence change replaces serine, which is neutral and polar, with asparagine, which is neutral and polar, at codon 883 of the DIS3L2 protein (p.Ser883Asn). This variant is not present in population databases (gnomAD no frequency). This variant has not been reported in the literature in individuals affected with DIS3L2-related conditions. ClinVar contains an entry for this variant (Variation ID: 1443999). Experimental studies and prediction algorithms are not available or were not evaluated, and the functional significance of this variant is currently unknown. In summary, the available evidence is currently insufficient to determine the role of this variant in disease. Therefore, it has been classified as a Variant of Uncertain Significance.